The following is an entry in ClinVar:

ClinVar aggregate classification (germline): Uncertain significance (1 of 4 stars; one submission).

gnomAD v4.1: 88 of 1,614,008 alleles (0.0055%); highest among the groups gnomAD compares: East Asian, 0.036%; no homozygotes.

Submission:

Labcorp Genetics (formerly Invitae), Labcorp
Classification: Uncertain significance. Last evaluated: 2024-06-25. Review status: criteria provided, single submitter. Criteria: Invitae Variant Classification Sherloc (09022015). Collection method: clinical testing. Allele origin: germline.
Comment: This sequence change replaces arginine, which is basic and polar, with glutamine, which is neutral and polar, at codon 219 of the SLC36A2 protein (p.Arg219Gln). This variant is present in population databases (rs181293533, gnomAD 0.1%), and has an allele count higher than expected for a pathogenic variant. This variant has not been reported in the literature in individuals affected with SLC36A2-related conditions. Advanced modeling of protein sequence and biophysical properties (such as structural, functional, and spatial information, amino acid conservation, physicochemical variation, residue mobility, and thermodynamic stability) performed at Invitae indicates that this missense variant is not expected to disrupt SLC36A2 protein function with a negative predictive value of 80%. In summary, the available evidence is currently insufficient to determine the role of this variant in disease. Therefore, it has been classified as a Variant of Uncertain Significance.

NM_181776.3(SLC36A2):c.656G>A (p.Arg219Gln)

Gene: SLC36A2 (solute carrier family 36 member 2; minus strand). Cytogenetic location: 5q33.1.
Variant type: single nucleotide variant.
Coding change: c.656G>A on transcript NM_181776.3 (MANE Select); coding-DNA position 656, G replaced by A.
Protein change: p.Arg219Gln; replaces arginine 219 with glutamine.
Molecular consequence: missense variant.
Genome position (GRCh38, 1-based): chr5:151,335,417, C>T on the plus strand (G>A on the coding strand, the complement: SLC36A2 is on the minus strand). VCF-style: chr5-151335417-C-T. GRCh37 (hg19) VCF-style: chr5-150714978-C-T.
Other names: short protein forms R219Q.
Identifiers: ClinVar variation 3668105 (VCV003668105.2).